The following is an entry in ClinVar:

ClinVar aggregate classification (germline): Uncertain significance (1 of 4 stars; one submission).

Conditions:
Retinitis pigmentosa 12 (RP12). Also called: RP WITH OR WITHOUT PPRPE; RP WITH OR WITHOUT PRESERVED PARAARTERIOLE RETINAL PIGMENT EPITHELIUM; RETINITIS PIGMENTOSA WITH OR WITHOUT PARAARTERIOLAR PRESERVATION OF RETINAL PIGMENT EPITHELIUM. Identifiers: Orphanet 791, MedGen C1838647, MONDO:0010818, OMIM 600105.
Leber congenital amaurosis 8 (LCA8). Identifiers: Orphanet 65, MedGen C3151202, MONDO:0013453, OMIM 613835.

Allele frequency attached by ClinVar (database versions not stated): TOPMed 0.00001.

Submission:

Labcorp Genetics (formerly Invitae), Labcorp
Classification: Uncertain significance for Leber congenital amaurosis 8; Retinitis pigmentosa 12. Last evaluated: 2021-08-31. Review status: criteria provided, single submitter. Criteria: Invitae Variant Classification Sherloc (09022015). Collection method: clinical testing. Allele origin: germline.
Comment: This sequence change replaces glutamine with glutamic acid at codon 80 of the CRB1 protein (p.Gln80Glu). The glutamine residue is highly conserved and there is a small physicochemical difference between glutamine and glutamic acid. This variant is not present in population databases (ExAC no frequency). This variant has not been reported in the literature in individuals affected with CRB1-related conditions. Advanced modeling of protein sequence and biophysical properties (such as structural, functional, and spatial information, amino acid conservation, physicochemical variation, residue mobility, and thermodynamic stability) performed at Invitae indicates that this missense variant is not expected to disrupt CRB1 protein function. In summary, the available evidence is currently insufficient to determine the role of this variant in disease. Therefore, it has been classified as a Variant of Uncertain Significance.

NM_201253.3(CRB1):c.238C>G (p.Gln80Glu)

Gene: CRB1 (crumbs cell polarity complex component 1; plus strand). Cytogenetic location: 1q31.3.
Variant type: single nucleotide variant.
Coding change: c.238C>G on transcript NM_201253.3 (MANE Select); coding-DNA position 238, C replaced by G.
Protein change: p.Gln80Glu; replaces glutamine 80 with glutamic acid.
Molecular consequence: missense variant. On other transcripts: non-coding transcript variant (2).
Genome position (GRCh38, 1-based): chr1:197,328,589, C>G. VCF-style: chr1-197328589-C-G. GRCh37 (hg19) VCF-style: chr1-197297719-C-G.
Other names: c.238C>G, p.Gln80Glu (NM_001193640.2, NM_001257966.2); c.31C>G, p.Gln11Glu (NM_001257965.2); short protein forms Q11E, Q80E.
Identifiers: ClinVar variation 1006186 (VCV001006186.6), dbSNP rs1658660736, ClinGen allele CA344085341.
Genomic context (GRCh38, chr1:197,328,589, plus strand): 5'-GCCAATAATTTGGACAAAGACTGTGACAACATGAAAGACCCTTGCTTCTCCAATCCCTGT[C>G]AAGGAAGTGCCACTTGTGTGAACACCCCAGGAGAAAGGAGCTTTCTGTGCAAATGTCCTC-3'
Protein context (NP_957705.1, residues 70-90): MKDPCFSNPC[Gln80Glu]GSATCVNTPG